The following is an entry in ClinVar:

ClinVar aggregate classification (germline): Uncertain significance. Review status: criteria provided, multiple submitters, no conflicts (2 of 4 stars). 2 submissions from 2 submitters: Uncertain significance (2). Last evaluated 2025-03-17.

Conditions:
Hereditary cancer-predisposing syndrome. Also called: Neoplastic Syndromes, Hereditary; Hereditary Cancer Syndrome; Tumor predisposition; Hereditary neoplastic syndrome. Identifiers: Orphanet 140162, MedGen C0027672, MeSH D009386, MONDO:0015356.
Lynch syndrome. Identifiers: Orphanet 144, MedGen C4552100, MONDO:0005835. Disease mechanism: loss of function.

Submissions (2):

Ambry Genetics
Classification: Uncertain significance for Hereditary cancer-predisposing syndrome. Last evaluated: 2025-03-17. Review status: criteria provided, single submitter. Criteria: Ambry Variant Classification Scheme 2023. Collection method: clinical testing. Allele origin: germline.
Comment: The p.K130N variant (also known as c.390G>T), located in coding exon 5 of the PMS2 gene, results from a G to T substitution at nucleotide position 390. The lysine at codon 130 is replaced by asparagine, an amino acid with similar properties. This amino acid position is conserved. In addition, this alteration is predicted to be tolerated by in silico analysis. Based on the available evidence, the clinical significance of this variant remains unclear.

Department of Pathology and Laboratory Medicine, Sinai Health System
Classification: Uncertain significance for Lynch syndrome. Last evaluated: 2022-08-18. Review status: criteria provided, single submitter. Criteria: ACMG Guidelines, 2015. Collection method: clinical testing. Allele origin: germline. Affected: yes.

NM_000535.7(PMS2):c.390G>T (p.Lys130Asn)

Gene: PMS2 (PMS1 homolog 2, mismatch repair system component; minus strand). Cytogenetic location: 7p22.1.
Variant type: single nucleotide variant.
Coding change: c.390G>T on transcript NM_000535.7 (MANE Select); coding-DNA position 390, G replaced by T.
Protein change: p.Lys130Asn; replaces lysine 130 with asparagine.
Molecular consequence: missense variant. On other transcripts: 5 prime UTR variant (29), non-coding transcript variant (1), intron variant (1).
Genome position (GRCh38, 1-based): chr7:6,002,600, C>A on the plus strand (G>T on the coding strand, the complement: PMS2 is on the minus strand). VCF-style: chr7-6002600-C-A. GRCh37 (hg19) VCF-style: chr7-6042231-C-A.
Other names: c.-16G>T (NM_001322003.2, NM_001322004.2, NM_001322005.2 and 24 more transcripts); c.390G>T, p.Lys130Asn (NM_001322006.2, NM_001322014.2, NM_001406869.1 and 8 more transcripts); c.72G>T, p.Lys24Asn (NM_001322007.2, NM_001322008.2, NM_001406876.1 and 4 more transcripts); c.-495G>T (NM_001322011.2, NM_001322012.2); c.81G>T, p.Lys27Asn (NM_001322015.2, NM_001406875.1, NM_001406877.1 and 6 more transcripts); c.576G>T, p.Lys192Asn (NM_001406866.1); c.414G>T, p.Lys138Asn (NM_001406868.1); c.250+1372G>T (NM_001406885.1); short protein forms K130N, K138N, K192N, K24N, K27N.
Identifiers: ClinVar variation 3780453 (VCV003780453.2).